The following is an entry in ClinVar:

NM_001105206.3(LAMA4):c.1211A>G (p.Tyr404Cys)

Gene: LAMA4 (laminin subunit alpha 4; minus strand). Cytogenetic location: 6q21.
Variant type: single nucleotide variant.
Coding change: c.1211A>G on transcript NM_001105206.3 (MANE Select); coding-DNA position 1211, A replaced by G.
Protein change: p.Tyr404Cys; replaces tyrosine 404 with cysteine.
Molecular consequence: missense variant.
Genome position (GRCh38, 1-based): chr6:112,175,459, T>C on the plus strand (A>G on the coding strand, the complement: LAMA4 is on the minus strand). VCF-style: chr6-112175459-T-C. GRCh37 (hg19) VCF-style: chr6-112496661-T-C.
Other names: c.1190A>G, p.Tyr397Cys (NM_001105207.3, NM_002290.5); short protein forms Y397C, Y404C.
Identifiers: ClinVar variation 3536934 (VCV003536934.1).

ClinVar aggregate classification (germline): Uncertain significance (1 of 4 stars; one submission).

Conditions:
Cardiovascular phenotype. Identifiers: MedGen CN230736.

gnomAD v4.1: 7 of 1,614,044 alleles (0.00043%); highest among the groups gnomAD compares: East Asian, 0.0089%; no homozygotes.

Submission:

Ambry Genetics
Classification: Uncertain significance for Cardiovascular phenotype. Last evaluated: 2024-07-06. Review status: criteria provided, single submitter. Criteria: Ambry Variant Classification Scheme 2023. Collection method: clinical testing. Allele origin: germline.
Comment: The p.Y397C variant (also known as c.1190A>G), located in coding exon 10 of the LAMA4 gene, results from an A to G substitution at nucleotide position 1190. The tyrosine at codon 397 is replaced by cysteine, an amino acid with highly dissimilar properties. This amino acid position is conserved. In addition, the in silico prediction for this alteration is inconclusive. Based on the available evidence, the clinical significance of this variant remains unclear.